The following is an entry in ClinVar:

NM_006785.4(MALT1):c.899A>G (p.Asp300Gly)

Gene: MALT1 (MALT1 paracaspase; plus strand). Cytogenetic location: 18q21.32.
Variant type: single nucleotide variant.
Coding change: c.899A>G on transcript NM_006785.4 (MANE Select); coding-DNA position 899, A replaced by G.
Protein change: p.Asp300Gly; replaces aspartic acid 300 with glycine.
Molecular consequence: missense variant.
Genome position (GRCh38, 1-based): chr18:58,710,046, A>G. VCF-style: chr18-58710046-A-G. GRCh37 (hg19) VCF-style: chr18-56377278-A-G.
Other names: c.899A>G, p.Asp300Gly (NM_173844.3); short protein forms D300G.
Identifiers: ClinVar variation 972590 (VCV000972590.9), dbSNP rs753211409, ClinGen allele CA8977738.

ClinVar aggregate classification (germline): Uncertain significance (1 of 4 stars; one submission).

Conditions:
Combined immunodeficiency due to MALT1 deficiency. Also called: Immunodeficiency 12. Identifiers: Orphanet 397964, MedGen C3809583, MONDO:0014197, OMIM 615468.

Allele frequency attached by ClinVar (database versions not stated): gnomAD exomes below 0.00001; ExAC 0.00001.

Submission:

Labcorp Genetics (formerly Invitae), Labcorp
Classification: Uncertain significance for Combined immunodeficiency due to MALT1 deficiency. Last evaluated: 2023-11-27. Review status: criteria provided, single submitter. Criteria: Invitae Variant Classification Sherloc (09022015). Collection method: clinical testing. Allele origin: germline.
Comment: This sequence change replaces aspartic acid, which is acidic and polar, with glycine, which is neutral and non-polar, at codon 300 of the MALT1 protein (p.Asp300Gly). This variant is present in population databases (rs753211409, gnomAD 0.0009%). This variant has not been reported in the literature in individuals affected with MALT1-related conditions. ClinVar contains an entry for this variant (Variation ID: 972590). Advanced modeling of protein sequence and biophysical properties (such as structural, functional, and spatial information, amino acid conservation, physicochemical variation, residue mobility, and thermodynamic stability) performed at Invitae indicates that this missense variant is not expected to disrupt MALT1 protein function with a negative predictive value of 80%. In summary, the available evidence is currently insufficient to determine the role of this variant in disease. Therefore, it has been classified as a Variant of Uncertain Significance.